The following is an entry in ClinVar:

NM_001111.5(ADAR):c.1749ATC[1] (p.Ser585del)

Gene: ADAR (adenosine deaminase RNA specific; minus strand). Cytogenetic location: 1q21.3.
Variant type: Microsatellite.
Coding change: c.1749ATC[1] on transcript NM_001111.5 (MANE Select); one copy of the 3-base unit ATC starting at c.1749; the reference has two copies in a row; one copy, 3 bases deleted.
Protein change: p.Ser585del; deletes serine 585.
Molecular consequence: inframe deletion.
Genome position (GRCh38, 1-based): chr1:154,598,433-154,598,435, GAT deleted on the plus strand (ATC on the coding strand, the reverse complement: ADAR is on the minus strand); deleting any 3 consecutive bases within chr1:154,598,433-154,598,438 gives the same sequence; the position shown is the placement nearest the transcript's 3' end. VCF-style (leftmost placement, unchanged base first): chr1-154598432-GGAT-G. GRCh37 (hg19) VCF-style: chr1-154570908-GGAT-G.
Other names: c.864ATC[1], p.Ser290del (NM_001025107.3, NM_001193495.2, NM_001365046.1 and 3 more transcripts); c.1776ATC[1], p.Ser594del (NM_001365045.1); c.1749ATC[1], p.Ser585del (NM_015840.4, NM_015841.4); short protein forms S585del, S290del, S594del.
Identifiers: ClinVar variation 1395358 (VCV001395358.8), dbSNP rs17843870, ClinGen allele CA1131489.

ClinVar aggregate classification (germline): Uncertain significance (1 of 4 stars; one submission).

Conditions:
Aicardi-Goutieres syndrome 6 (AGS6). Identifiers: Orphanet 51, MedGen C3539013, MONDO:0014007, OMIM 615010.
Symmetrical dyschromatosis of extremities (DSH). Also called: RETICULATE ACROPIGMENTATION OF DOHI; SYMMETRIC DYSCHROMATOSIS OF THE EXTREMITIES; Dyschromatosis symmetrica hereditaria; DYSCHROMATOSIS SYMMETRICA HEREDITARIA 1. Identifiers: Orphanet 41, MedGen C0406775, MONDO:0007483, OMIM 127400.

Submission:

Labcorp Genetics (formerly Invitae), Labcorp
Classification: Uncertain significance for Aicardi-Goutieres syndrome 6; Symmetrical dyschromatosis of extremities. Last evaluated: 2024-11-04. Review status: criteria provided, single submitter. Criteria: Invitae Variant Classification Sherloc (09022015). Collection method: clinical testing. Allele origin: germline.
Comment: This variant, c.1752_1754del, results in the deletion of 1 amino acid(s) of the ADAR protein (p.Ser585del), but otherwise preserves the integrity of the reading frame. This variant is present in population databases (rs770885128, gnomAD 0.01%). This variant has been observed in individual(s) with DSH and in normally pigmented individuals (PMID: 15955093, 18799292). Experimental studies and prediction algorithms are not available or were not evaluated, and the functional significance of this variant is currently unknown. In summary, the available evidence is currently insufficient to determine the role of this variant in disease. Therefore, it has been classified as a Variant of Uncertain Significance.

Literature cited by the submitters: PubMed 15955093; PubMed 18799292.